The following is an entry in ClinVar:

NM_004168.4(SDHA):c.1061G>C (p.Gly354Ala)

Gene: SDHA (succinate dehydrogenase complex flavoprotein subunit A; plus strand). Cytogenetic location: 5p15.33.
Variant type: single nucleotide variant.
Coding change: c.1061G>C on transcript NM_004168.4 (MANE Select); coding-DNA position 1061, G replaced by C.
Protein change: p.Gly354Ala; replaces glycine 354 with alanine.
Molecular consequence: missense variant.
Genome position (GRCh38, 1-based): chr5:233,642, G>C. VCF-style: chr5-233642-G-C. GRCh37 (hg19) VCF-style: chr5-233757-G-C.
Other names: c.1061G>C (NM_004168.2); c.917G>C, p.Gly306Ala (NM_001294332.2); c.1061G>C, p.Gly354Ala (NM_001330758.2); short protein forms G306A, G354A.
Identifiers: ClinVar variation 5002772 (VCV005002772.2).

ClinVar aggregate classification (germline): Uncertain significance. Review status: criteria provided, multiple submitters, no conflicts (2 of 4 stars). 2 submissions from 2 submitters: Uncertain significance (2). Last evaluated 2026-09-08.

Conditions:
Pheochromocytoma/paraganglioma syndrome 5. Also called: Paragangliomas 5; SDHA-Related Hereditary Paraganglioma-Pheochromocytoma Syndrome. Identifiers: Orphanet 29072, MedGen C3279992, MONDO:0013602, OMIM 614165.
Hereditary cancer-predisposing syndrome. Also called: Neoplastic Syndromes, Hereditary; Tumor predisposition; Hereditary Cancer Syndrome; Hereditary neoplastic syndrome. Identifiers: Orphanet 140162, MedGen C0027672, MeSH D009386, MONDO:0015356.

gnomAD v4.1: 2 of 1,614,008 alleles (0.00012%); highest among the groups gnomAD compares: Non-Finnish European, 0.00017%; no homozygotes.

Submissions (2):

Ambry Genetics
Classification: Uncertain significance for Hereditary cancer-predisposing syndrome. Last evaluated: 2026-09-08. Review status: criteria provided, single submitter. Criteria: Ambry Variant Classification Scheme 2023. Collection method: clinical testing. Allele origin: germline.
Comment: The p.G354A variant (also known as c.1061G>C), located in coding exon 8 of the SDHA gene, results from a G to C substitution at nucleotide position 1061. The glycine at codon 354 is replaced by alanine, an amino acid with similar properties. This amino acid position is conserved. In addition, this alteration is predicted to be deleterious by in silico analysis. Based on the available evidence, the clinical significance of this variant remains unclear.

OLLIN Analises Genomicas, OLLIN
Classification: Uncertain significance for Pheochromocytoma/paraganglioma syndrome 5. Last evaluated: 2026-08-06. Review status: criteria provided, single submitter. Criteria: ACMG Guidelines 2015 PMID 25741868. Collection method: clinical testing. Allele origin: germline. Inheritance: Autosomal recessive inheritance.
Comment: This missense variant, located in exon 8 (of 15), has been observed in gnomAD with an allele frequency of 0.000062%, but has not been reported in ClinVar or identified in the literature. In silico analysis predicts that this variant has a deleterious effect. This gene is constrained for missense variation. According to the currently available evidence, this variant has been classified as uncertain significance (PM2_P, PP2, PP3_M).